The following is an entry in ClinVar:

ClinVar aggregate classification (germline): Uncertain significance (1 of 4 stars; one submission).

Conditions:
Dilated cardiomyopathy 1O (CMD1O). Also called: CARDIOMYOPATHY, DILATED, WITH VENTRICULAR TACHYCARDIA. Identifiers: Orphanet 154, MedGen C1837839, MONDO:0012062, OMIM 608569.

Allele frequency attached by ClinVar (database versions not stated): gnomAD exomes below 0.00001; TOPMed below 0.00001; gnomAD 0.00001.
gnomAD v4.1: 6 of 1,610,728 alleles (0.00037%); highest among the groups gnomAD compares: Non-Finnish European, 0.00051%; no homozygotes.

Submission:

Labcorp Genetics (formerly Invitae), Labcorp
Classification: Uncertain significance for Dilated cardiomyopathy 1O. Last evaluated: 2025-07-23. Review status: criteria provided, single submitter. Criteria: Invitae Variant Classification Sherloc (09022015). Collection method: clinical testing. Allele origin: germline.
Comment: This sequence change replaces valine, which is neutral and non-polar, with phenylalanine, which is neutral and non-polar, at codon 190 of the ABCC9 protein (p.Val190Phe). This variant is present in population databases (no rsID available, gnomAD 0.0009%). This variant has not been reported in the literature in individuals affected with ABCC9-related conditions. ClinVar contains an entry for this variant (Variation ID: 1020662). Invitae Evidence Modeling of protein sequence and biophysical properties (such as structural, functional, and spatial information, amino acid conservation, physicochemical variation, residue mobility, and thermodynamic stability) has been performed for this missense variant. However, the output from this modeling did not meet the statistical confidence thresholds required to predict the impact of this variant on ABCC9 protein function. In summary, the available evidence is currently insufficient to determine the role of this variant in disease. Therefore, it has been classified as a Variant of Uncertain Significance.

NM_020297.4(ABCC9):c.568G>T (p.Val190Phe)

Gene: ABCC9 (ATP binding cassette subfamily C member 9; minus strand). Cytogenetic location: 12p12.1.
Variant type: single nucleotide variant.
Coding change: c.568G>T on transcript NM_020297.4 (MANE Select); coding-DNA position 568, G replaced by T.
Protein change: p.Val190Phe; replaces valine 190 with phenylalanine.
Molecular consequence: missense variant. On other transcripts: intron variant (1).
Genome position (GRCh38, 1-based): chr12:21,916,942, C>A on the plus strand (G>T on the coding strand, the complement: ABCC9 is on the minus strand). VCF-style: chr12-21916942-C-A. GRCh37 (hg19) VCF-style: chr12-22069876-C-A.
Other names: c.568G>T, p.Val190Phe (NM_001377273.1, NM_005691.4); c.-48-3876G>T (NM_001377274.1); short protein forms V190F.
Identifiers: ClinVar variation 1020662 (VCV001020662.8), dbSNP rs1253797690, ClinGen allele CA384125204.